The following is an entry in ClinVar:

ClinVar aggregate classification (germline): Uncertain significance. Review status: criteria provided, multiple submitters, no conflicts (2 of 4 stars). 6 submissions from 6 submitters: Uncertain significance (6). Last evaluated 2025-03-26.

Conditions:
Marfan syndrome (MFS). Also called: Marfan syndrome, classic; FBN1-Related Marfan Syndrome; Marfan syndrome type 1; Marfan's syndrome; MARFAN SYNDROME, TYPE I. Identifiers: Orphanet 284963, Orphanet 558, MedGen C0024796, MONDO:0007947, OMIM 154700.
Familial thoracic aortic aneurysm and aortic dissection (TAAD). Also called: Thoracic aortic aneurysms and dissections. Identifiers: Orphanet 91387, MedGen C4707243, MONDO:0019625.

Allele frequency attached by ClinVar (database versions not stated): TOPMed below 0.00001; gnomAD exomes below 0.00001.
gnomAD v4.1: 6 of 1,614,152 alleles (0.00037%); highest among the groups gnomAD compares: South Asian, 0.0011%; no homozygotes.

Submissions (6):

Labcorp Genetics (formerly Invitae), Labcorp
Classification: Uncertain significance for Marfan syndrome; Familial thoracic aortic aneurysm and aortic dissection. Last evaluated: 2025-03-26. Review status: criteria provided, single submitter. Criteria: Invitae Variant Classification Sherloc (09022015). Collection method: clinical testing. Allele origin: germline.
Comment: This sequence change replaces arginine, which is basic and polar, with glutamine, which is neutral and polar, at codon 658 of the FBN1 protein (p.Arg658Gln). This variant is not present in population databases (gnomAD no frequency). This missense change has been observed in individual(s) with Marfan syndrome (internal data). ClinVar contains an entry for this variant (Variation ID: 199985). Invitae Evidence Modeling of protein sequence and biophysical properties (such as structural, functional, and spatial information, amino acid conservation, physicochemical variation, residue mobility, and thermodynamic stability) indicates that this missense variant is expected to disrupt FBN1 protein function with a positive predictive value of 95%. Algorithms developed to predict the effect of sequence changes on RNA splicing suggest that this variant may disrupt the consensus splice site. In summary, the available evidence is currently insufficient to determine the role of this variant in disease. Therefore, it has been classified as a Variant of Uncertain Significance.

Color Diagnostics, LLC DBA Color Health
Classification: Uncertain significance for Familial thoracic aortic aneurysm and aortic dissection. Last evaluated: 2024-12-10. Review status: criteria provided, single submitter. Criteria: ACMG Guidelines, 2015. Collection method: clinical testing. Allele origin: germline.
Comment: This missense variant replaces arginine with glutamine at codon 658 of the FBN1 protein. Computational prediction suggests that this variant may have a deleterious impact on protein structure and function. To our knowledge, functional studies have not been reported for this variant. This variant has not been reported in individuals affected with FBN1-related disorders in the literature. This variant has not been identified in the general population by the Genome Aggregation Database (gnomAD). The available evidence is insufficient to determine the role of this variant in disease conclusively. Therefore, this variant is classified as a Variant of Uncertain Significance.

All of Us Research Program, National Institutes of Health
Classification: Uncertain significance for Marfan syndrome. Last evaluated: 2023-08-28. Review status: criteria provided, single submitter. Criteria: ACMG Guidelines, 2015. Collection method: clinical testing. Allele origin: germline. Inheritance: Autosomal dominant inheritance. Observed: 2 variant alleles, 2 heterozygotes.
Comment: Variant of Uncertain Significance due to insufficient evidence: This missense variant replaces arginine with glutamine at codon 658 of the FBN1 protein. Computational prediction tools and conservation analyses are inconclusive regarding the impact of this variant on the protein function. Computational splicing tools suggest that this variant may not impact RNA splicing. To our knowledge, functional assays have not been performed for this variant nor has this variant been reported in individuals affected with cardiovascular disorders in the literature. This variant is rare in the general population and has been identified in 0/277264 chromosomes by the Genome Aggregation Database (gnomAD). Available evidence is insufficient to determine the pathogenicity of this variant conclusively.

This study involves interpretation of variants in research participants for the purpose of population health screening. Participant phenotype was not available at the time of variant classification. Additional details can be found in publication PMID: 35346344, PMCID: PMC8962531

CHEO Genetics Diagnostic Laboratory, Children's Hospital of Eastern Ontario
Classification: Uncertain significance for Familial thoracic aortic aneurysm and aortic dissection. Last evaluated: 2023-06-22. Review status: criteria provided, single submitter. Criteria: ACMG Guidelines, 2015. Collection method: clinical testing. Allele origin: germline.

GeneDx
Classification: Uncertain significance. Last evaluated: 2019-10-03. Review status: criteria provided, single submitter. Criteria: GeneDx Variant Classification Process June 2021. Collection method: clinical testing. Allele origin: germline. Affected: yes.
Comment: Has not been previously published as pathogenic or benign to our knowledge; Not observed in large population cohorts (Lek et al., 2016); In silico analysis, which includes protein predictors and evolutionary conservation, supports a deleterious effect; Does not affect a cysteine residue within a calcium-binding EGF-like domain of the FBN1 gene; cysteine substitutions in the calcium-binding EGF-like domains represent the majority of pathogenic missense changes associated with FBN1-related disorders (Collod-Beroud et al., 2003).

Kasturba Medical College, Manipal, Kasturba Medical College, Manipal, Manipal Academy of Higher Education, Manipal, India
Classification: Uncertain significance for Marfan syndrome. Review status: criteria provided, single submitter. Criteria: ACMG Guidelines, 2015. Collection method: research. Allele origin: maternal. Inheritance: Autosomal dominant inheritance. Affected: yes. Observed: 1 heterozygote.
Comment: This variant is reported in heterozygous state in six individuals (allele frequency: 0.000003717) in the gnomAD (v4.1.0) population database. The variant is absent in our in-house data of 3673 exomes. In-silico analysis tools (CADD_Phred, REVEL) predict the variant to be disease-causing and affect the FBN1 protein function. Five submissions have been observed for the variant c.1973G>A in ClinVar as uncertain significance and also the affected status of reported individuals is unknown.

NM_000138.5(FBN1):c.1973G>A (p.Arg658Gln)

Gene: FBN1 (fibrillin 1; minus strand). Cytogenetic location: 15q21.1.
Variant type: single nucleotide variant.
Coding change: c.1973G>A on transcript NM_000138.5 (MANE Select); coding-DNA position 1973, G replaced by A.
Protein change: p.Arg658Gln; replaces arginine 658 with glutamine.
Molecular consequence: missense variant.
Genome position (GRCh38, 1-based): chr15:48,503,927, C>T on the plus strand (G>A on the coding strand, the complement: FBN1 is on the minus strand). VCF-style: chr15-48503927-C-T. GRCh37 (hg19) VCF-style: chr15-48796124-C-T.
Other names: p.R658Q:CGG>CAG; short protein forms R658Q.
Identifiers: ClinVar variation 199985 (VCV000199985.14), dbSNP rs794728181, ClinGen allele CA012694.
Genomic context (GRCh38, chr15:48,503,927, plus strand): 5'-ACAGCACCAAACAAAGGTTTGATACACTGGCCTCTCTTGTATCCACCATAGCATGTGCTC[C>T]GCATGTGTGTGTCTAAACAGGAAGAAGCATCTGTCATCACACTGTCACTTCAAACAGATG-3'
Protein context (NP_000129.3, residues 648-668): DGRVCVDTHM[Arg658Gln]STCYGGYKRG